The following is an entry in ClinVar:

NM_001128178.3(NPHP1):c.482G>C (p.Gly161Ala)

Gene: NPHP1 (nephrocystin 1; minus strand). Cytogenetic location: 2q13.
Variant type: single nucleotide variant.
Coding change: c.482G>C on transcript NM_001128178.3 (MANE Select); coding-DNA position 482, G replaced by C.
Protein change: p.Gly161Ala; replaces glycine 161 with alanine.
Molecular consequence: missense variant.
Genome position (GRCh38, 1-based): chr2:110,169,846, C>G on the plus strand (G>C on the coding strand, the complement: NPHP1 is on the minus strand). VCF-style: chr2-110169846-C-G. GRCh37 (hg19) VCF-style: chr2-110927423-C-G.
Other names: c.482G>C, p.Gly161Ala (NM_000272.5, NM_001374256.1, NM_001374257.1 and 1 more transcripts); c.296G>C, p.Gly99Ala (NM_001128179.3); short protein forms G161A, G99A.
Identifiers: ClinVar variation 2191362 (VCV002191362.1), dbSNP rs1682990557, ClinGen allele CA348092864.

ClinVar aggregate classification (germline): Uncertain significance (1 of 4 stars; one submission).

Conditions:
Nephronophthisis. Also called: Juvenile Nephronophthisis. Identifiers: Orphanet 655, MedGen C0687120, MONDO:0019005, HP:0000090.

Allele frequency attached by ClinVar (database versions not stated): gnomAD exomes 0.00002.
gnomAD v4.1: 30 of 1,613,724 alleles (0.0019%); highest among the groups gnomAD compares: Non-Finnish European, 0.0025%; no homozygotes.

Submission:

Labcorp Genetics (formerly Invitae), Labcorp
Classification: Uncertain significance for Nephronophthisis. Last evaluated: 2022-02-19. Review status: criteria provided, single submitter. Criteria: Invitae Variant Classification Sherloc (09022015). Collection method: clinical testing. Allele origin: germline.
Comment: This sequence change replaces glycine, which is neutral and non-polar, with alanine, which is neutral and non-polar, at codon 161 of the NPHP1 protein (p.Gly161Ala). This variant is not present in population databases (gnomAD no frequency). This variant has not been reported in the literature in individuals affected with NPHP1-related conditions. Algorithms developed to predict the effect of missense changes on protein structure and function are either unavailable or do not agree on the potential impact of this missense change (SIFT: "Deleterious"; PolyPhen-2: "Probably Damaging"; Align-GVGD: "Class C0"). In summary, the available evidence is currently insufficient to determine the role of this variant in disease. Therefore, it has been classified as a Variant of Uncertain Significance.